The following is an entry in ClinVar:

ClinVar aggregate classification (germline): Benign/Likely benign. Review status: criteria provided, multiple submitters, no conflicts (2 of 4 stars). 2 submissions from 2 submitters: Benign (1); Likely benign (1). Last evaluated 2026-02-03.

Conditions:
BAP1-related tumor predisposition syndrome (TPDS1). Also called: Tumor susceptibility linked to germline BAP1 mutations; COMMON Syndrome; TUMOR PREDISPOSITION SYNDROME 1; BAP1 tumor predisposition syndrome. Identifiers: Orphanet 289539, MedGen C3280492, MONDO:0013692, OMIM 614327.

Submissions (2):

Labcorp Genetics (formerly Invitae), Labcorp
Classification: Likely benign for BAP1-related tumor predisposition syndrome. Last evaluated: 2026-02-03. Review status: criteria provided, single submitter. Criteria: Invitae Variant Classification Sherloc (09022015). Collection method: clinical testing. Allele origin: germline.

Myriad Genetics, Inc.
Classification: Benign for BAP1-related tumor predisposition syndrome. Last evaluated: 2024-07-16. Review status: criteria provided, single submitter. Criteria: Myriad Autosomal Dominant, Autosomal Recessive and X-Linked Classification Criteria (2023). Collection method: clinical testing. Allele origin: unknown.
Comment: This variant is considered benign. This variant is a silent/synonymous amino acid change and it is not expected to impact splicing.

NM_004656.4(BAP1):c.1464C>A (p.Pro488=)

Gene: BAP1 (BRCA1 associated deubiquitinase 1; minus strand). Cytogenetic location: 3p21.1.
Variant type: single nucleotide variant.
Coding change: c.1464C>A on transcript NM_004656.4 (MANE Select); coding-DNA position 1464, C replaced by A.
Protein change: p.Pro488=; no amino-acid change (proline 488 retained).
Molecular consequence: synonymous variant.
Genome position (GRCh38, 1-based): chr3:52,403,681, G>T on the plus strand (C>A on the coding strand, the complement: BAP1 is on the minus strand). VCF-style: chr3-52403681-G-T. GRCh37 (hg19) VCF-style: chr3-52437697-G-T.
Other names: c.1410C>A, p.Pro470= (NM_001410772.1).
Identifiers: ClinVar variation 3379051 (VCV003379051.2).